The following is an entry in ClinVar:

NM_001283009.2(RTEL1):c.545G>A (p.Ser182Asn)

Genes: RTEL1 (regulator of telomere elongation helicase 1; plus strand), RTEL1-TNFRSF6B (RTEL1-TNFRSF6B readthrough (NMD candidate); plus strand). Cytogenetic location: 20q13.33.
Variant type: single nucleotide variant.
Coding change: c.545G>A on transcript NM_001283009.2 (MANE Select); coding-DNA position 545, G replaced by A.
Protein change: p.Ser182Asn; replaces serine 182 with asparagine.
Molecular consequence: missense variant. On other transcripts: non-coding transcript variant (1), 5 prime UTR variant (1).
Genome position (GRCh38, 1-based): chr20:63,666,010, G>A. VCF-style: chr20-63666010-G-A. GRCh37 (hg19) VCF-style: chr20-62297363-G-A.
Other names: c.-125G>A (NM_001283010.1); c.545G>A, p.Ser182Asn (NM_016434.4); c.617G>A, p.Ser206Asn (NM_032957.5); short protein forms S182N, S206N.
Identifiers: ClinVar variation 3791155 (VCV003791155.2).

ClinVar aggregate classification (germline): Uncertain significance. Review status: criteria provided, multiple submitters, no conflicts (2 of 4 stars). 2 submissions from 2 submitters: Uncertain significance (2). Last evaluated 2025-05-04.

Conditions:
Inborn genetic diseases. Identifiers: MedGen C0950123, MeSH D030342.
Pulmonary fibrosis and/or bone marrow failure, Telomere-related, 3. Also called: PULMONARY FIBROSIS AND/OR BONE MARROW FAILURE SYNDROME, TELOMERE-RELATED, 3. Identifiers: Orphanet 2032, MedGen C4225346, MONDO:0014613, OMIM 616373.
Dyskeratosis congenita, autosomal recessive 5 (DKCB5). Identifiers: MedGen C3554656, MONDO:0014076, OMIM 615190.

gnomAD v4.1: 1 of 1,614,000 alleles (0.000062%); highest among the groups gnomAD compares: Non-Finnish European, 0.000085%; no homozygotes.

Submissions (2):

Labcorp Genetics (formerly Invitae), Labcorp
Classification: Uncertain significance for Dyskeratosis congenita, autosomal recessive 5; Pulmonary fibrosis and/or bone marrow failure, Telomere-related, 3. Last evaluated: 2025-05-04. Review status: criteria provided, single submitter. Criteria: Invitae Variant Classification Sherloc (09022015). Collection method: clinical testing. Allele origin: germline.
Comment: This sequence change replaces serine, which is neutral and polar, with asparagine, which is neutral and polar, at codon 182 of the RTEL1 protein (p.Ser182Asn). This variant is not present in population databases (gnomAD no frequency). This variant has not been reported in the literature in individuals affected with RTEL1-related conditions. An algorithm developed to predict the effect of missense changes on protein structure and function (PolyPhen-2) suggests that this variant is likely to be tolerated. In summary, the available evidence is currently insufficient to determine the role of this variant in disease. Therefore, it has been classified as a Variant of Uncertain Significance.

Ambry Genetics
Classification: Uncertain significance for Inborn genetic diseases. Last evaluated: 2025-02-15. Review status: criteria provided, single submitter. Criteria: Ambry Variant Classification Scheme 2023. Collection method: clinical testing. Allele origin: germline.
Comment: The p.S182N variant (also known as c.545G>A), located in coding exon 6 of the RTEL1 gene, results from a G to A substitution at nucleotide position 545. The serine at codon 182 is replaced by asparagine, an amino acid with highly similar properties. This amino acid position is conserved. In addition, this alteration is predicted to be tolerated by in silico analysis. Based on the available evidence, the clinical significance of this variant remains unclear.